The following is an entry in ClinVar:

NM_173602.3(DIP2B):c.692C>G (p.Ser231Ter)

Gene: DIP2B (disco interacting protein 2 homolog B; plus strand). Cytogenetic location: 12q13.12.
Variant type: single nucleotide variant.
Coding change: c.692C>G on transcript NM_173602.3 (MANE Select); coding-DNA position 692, C replaced by G.
Protein change: p.Ser231Ter; replaces serine 231 with a stop codon.
Molecular consequence: nonsense.
Genome position (GRCh38, 1-based): chr12:50,674,525, C>G. VCF-style: chr12-50674525-C-G. GRCh37 (hg19) VCF-style: chr12-51068308-C-G.
Other names: short protein forms S231*.
Identifiers: ClinVar variation 2429316 (VCV002429316.3), dbSNP rs755142868, ClinGen allele CA6564313.
Genomic context (GRCh38, chr12:50,674,525, plus strand): 5'-TCCTCTCAGAGAATTTCTCTGCTCCTCCTGATGTCACTACAACTACCTCTTCCTCCTCAT[C>G]ATCTTCCTCAATTCGCCCAGCAAACATTGACCTGCCCCCCTCGGGGATAGTTAAAGGCAT-3'

ClinVar aggregate classification (germline): Uncertain significance (1 of 4 stars; one submission).

Allele frequency attached by ClinVar (database versions not stated): ExAC 0.00001.
gnomAD v4.1: 3 of 1,614,250 alleles (0.00019%); highest among the groups gnomAD compares: Admixed American, 0.0017%; no homozygotes.

Submission:

Women's Health and Genetics/Laboratory Corporation of America, LabCorp
Classification: Uncertain significance. Last evaluated: 2023-01-28. Review status: criteria provided, single submitter. Criteria: LabCorp Variant Classification Summary - May 2015. Collection method: clinical testing. Allele origin: germline.
Comment: Variant summary: DIP2B c.692C>G (p.Ser231X) results in a premature termination codon, predicted to cause a truncation of the encoded protein or absence of the protein due to nonsense mediated decay. The variant allele was found at a frequency of 4e-06 in 251406 control chromosomes (gnomAD). The available data on variant occurrences in the general population are insufficient to allow any conclusion about variant significance. To our knowledge, no occurrence of c.692C>G in individuals affected with Intellectual Disability, FRA12A Type and no experimental evidence demonstrating its impact on protein function have been reported. No clinical diagnostic laboratories have submitted clinical-significance assessments for this variant to ClinVar after 2014. Based on the evidence outlined above, the variant was classified as uncertain significance.